The following is an entry in ClinVar:

ClinVar aggregate classification (germline): Uncertain significance (1 of 4 stars; one submission).

Conditions:
Hereditary cancer-predisposing syndrome. Also called: Neoplastic Syndromes, Hereditary; Hereditary Cancer Syndrome; Tumor predisposition; Hereditary neoplastic syndrome. Identifiers: Orphanet 140162, MedGen C0027672, MeSH D009386, MONDO:0015356.

Submission:

Color Diagnostics, LLC DBA Color Health
Classification: Uncertain significance for Hereditary cancer-predisposing syndrome. Last evaluated: 2019-09-30. Review status: criteria provided, single submitter. Criteria: ACMG Guidelines, 2015. Collection method: clinical testing. Allele origin: germline.
Comment: This variant causes a C>G nucleotide substitution at the -13 position of intron 29 of the ATM gene. To our knowledge, functional studies have not been performed for this variant. This variant has not been reported in individuals affected with hereditary cancer in the literature. This variant has not been identified in the general population by the Genome Aggregation Database (gnomAD). The available evidence is insufficient to determine the role of this variant in disease conclusively. Therefore, this variant is classified as a Variant of Uncertain Significance.

NM_000051.4(ATM):c.4437-13C>G

Gene: ATM (ATM serine/threonine kinase; plus strand). Cytogenetic location: 11q22.3.
Variant type: single nucleotide variant.
Coding change: c.4437-13C>G on transcript NM_000051.4 (MANE Select); 13 bases into the intron before coding-DNA position 4437, C replaced by G.
Molecular consequence: intron variant.
Genome position (GRCh38, 1-based): chr11:108,292,606, C>G. VCF-style: chr11-108292606-C-G. GRCh37 (hg19) VCF-style: chr11-108163333-C-G.
Other names: c.4437-13C>G (NM_001351834.2).
Identifiers: ClinVar variation 927507 (VCV000927507.3), dbSNP rs769462032, ClinGen allele CA1139662305.